The following is an entry in ClinVar:

ClinVar aggregate classification (germline): Benign. Review status: criteria provided, multiple submitters, no conflicts (2 of 4 stars). 3 submissions from 3 submitters: Benign (2). 1 of the submissions does not count toward it. Last evaluated 2025-09-18.

Conditions:
ACP4-related disorder. Also called: ACP4-related condition.

Allele frequency attached by ClinVar (database versions not stated): gnomAD exomes 0.00006 and 0.00024; TOPMed 0.00076; ESP Exome Variant Server 0.00077; gnomAD 0.00086; 1000 Genomes Project 0.00140; 1000 Genomes Project 30x 0.00187.
gnomAD v4.1: 221 of 1,613,040 alleles (0.014%); highest among the groups gnomAD compares: African/African-American, 0.24%; no homozygotes.

Submissions (3):

Women's Health and Genetics/Laboratory Corporation of America, LabCorp
Classification: Benign. Last evaluated: 2025-09-18. Review status: criteria provided, single submitter. Criteria: LabCorp Variant Classification Summary - May 2015. Collection method: clinical testing. Allele origin: germline.
Comment: Variant summary: ACP4 c.550-4C>T alters a nucleotide located at a position not widely known to affect splicing. Consensus agreement among computation tools predict no significant impact on normal splicing. However, these predictions have yet to be confirmed by functional studies. The variant allele was found at a frequency of 0.00031 in 280876 control chromosomes, predominantly at a frequency of 0.003 within the African or African-American subpopulation in the gnomAD database. The observed variant frequency within African or African-American control individuals in the gnomAD database exceeds the estimated maximal expected allele frequency for disease-causing variants in ACP4. To our knowledge, no occurrence of c.550-4C>T in individuals affected with ACP4-related conditions and no experimental evidence demonstrating its impact on protein function have been reported. ClinVar contains an entry for this variant (Variation ID: 716610). Based on the evidence outlined above, the variant was classified as benign.

Labcorp Genetics (formerly Invitae), Labcorp
Classification: Benign. Last evaluated: 2018-06-22. Review status: criteria provided, single submitter. Criteria: Invitae Variant Classification Sherloc (09022015). Collection method: clinical testing. Allele origin: germline.

PreventionGenetics, part of Exact Sciences
Classification: Likely benign for ACP4-related condition. Last evaluated: 2023-04-19. Review status: no assertion criteria provided. Collection method: clinical testing. Allele origin: germline. Not counted in ClinVar's aggregate classification.
Comment: This variant is classified as likely benign based on ACMG/AMP sequence variant interpretation guidelines (Richards et al. 2015 PMID: 25741868, with internal and published modifications).

NM_033068.3(ACP4):c.550-4C>T

Gene: ACP4 (acid phosphatase 4; plus strand). Cytogenetic location: 19q13.33.
Variant type: single nucleotide variant.
Coding change: c.550-4C>T on transcript NM_033068.3 (MANE Select); 4 bases into the intron before coding-DNA position 550, C replaced by T.
Molecular consequence: intron variant.
Genome position (GRCh38, 1-based): chr19:50,792,238, C>T. VCF-style: chr19-50792238-C-T. GRCh37 (hg19) VCF-style: chr19-51295495-C-T.
Identifiers: ClinVar variation 716610 (VCV000716610.6), dbSNP rs377747108, ClinGen allele CA9603052.